The following is an entry in ClinVar:

NM_004268.5(MED17):c.233A>G (p.Asp78Gly)

Genes: MED17 (mediator complex subunit 17; plus strand), LOC130006596 (ATAC-STARR-seq lymphoblastoid silent region 3840; plus strand). Cytogenetic location: 11q21.
Variant type: single nucleotide variant.
Coding change: c.233A>G on transcript NM_004268.5 (MANE Select); coding-DNA position 233, A replaced by G.
Protein change: p.Asp78Gly; replaces aspartic acid 78 with glycine.
Molecular consequence: missense variant.
Genome position (GRCh38, 1-based): chr11:93,784,746, A>G. VCF-style: chr11-93784746-A-G. GRCh37 (hg19) VCF-style: chr11-93517912-A-G.
Other names: c.233A>G (NM_004268.4); short protein forms D78G.
Identifiers: ClinVar variation 990608 (VCV000990608.5), dbSNP rs1304067406, ClinGen allele CA382388211.

ClinVar aggregate classification (germline): Uncertain significance. Review status: criteria provided, multiple submitters, no conflicts (2 of 4 stars). 3 submissions from 3 submitters: Uncertain significance (2). 1 of the submissions does not count toward it. Last evaluated 2022-04-13.

Conditions:
Infantile cerebral and cerebellar atrophy with postnatal progressive microcephaly (MSBA). Identifiers: Orphanet 402364, MedGen C3150921, MONDO:0013351, OMIM 613668.
Inborn genetic diseases. Identifiers: MedGen C0950123, MeSH D030342.

Allele frequency attached by ClinVar (database versions not stated): gnomAD exomes 0.00001; TOPMed 0.00001; gnomAD 0.00002.
gnomAD v4.1: 18 of 1,541,190 alleles (0.0012%); highest among the groups gnomAD compares: Admixed American, 0.002%; no homozygotes.

Submissions (3):

Ambry Genetics
Classification: Uncertain significance for Inborn genetic diseases. Last evaluated: 2022-04-13. Review status: criteria provided, single submitter. Criteria: Ambry Variant Classification Scheme 2023. Collection method: clinical testing. Allele origin: germline.

GeneDx
Classification: Uncertain significance. Last evaluated: 2022-01-04. Review status: criteria provided, single submitter. Criteria: GeneDx Variant Classification Process June 2021. Collection method: clinical testing. Allele origin: germline. Affected: yes.
Comment: Has not been previously published as pathogenic or benign to our knowledge; In silico analysis supports that this missense variant does not alter protein structure/function

Natera, Inc.
Classification: Uncertain significance for Postnatal progressive microcephaly with seizures and brain atrophy. Last evaluated: 2020-09-04. Review status: no assertion criteria provided. Collection method: clinical testing. Allele origin: germline. Not counted in ClinVar's aggregate classification.